The following is an entry in ClinVar:

ClinVar aggregate classification (germline): Benign. Review status: criteria provided, multiple submitters, no conflicts (2 of 4 stars). 8 submissions from 8 submitters: Benign (8). Last evaluated 2026-01-27.

Conditions:
Spastic paraplegia. Identifiers: MedGen C0037772, HP:0001258.
Hereditary spastic paraplegia. Also called: Familial spastic paraparesis. Identifiers: Orphanet 685, MedGen C0037773, MONDO:0019064. Disease mechanism: loss of function.

Allele frequency attached by ClinVar (database versions not stated): 1000 Genomes Project 0.01597; 1000 Genomes Project 30x 0.01702; TOPMed 0.02292; gnomAD 0.02483 and 0.02524; gnomAD exomes 0.02939; ESP Exome Variant Server 0.02996; ExAC 0.06608.
gnomAD v4.1: 60,193 of 1,588,150 alleles (3.8%); highest among the groups gnomAD compares: Non-Finnish European, 4.4%; 1,331 homozygotes.

Submissions (8):

Labcorp Genetics (formerly Invitae), Labcorp
Classification: Benign for Spastic paraplegia. Last evaluated: 2026-01-27. Review status: criteria provided, single submitter. Criteria: Invitae Variant Classification Sherloc (09022015). Collection method: clinical testing. Allele origin: germline.

Blueprint Genetics
Classification: Benign. Last evaluated: 2024-11-26. Review status: criteria provided, single submitter. Criteria: ACMG Guidelines, 2015. Collection method: clinical testing. Allele origin: germline.

Genome Diagnostics Laboratory, The Hospital for Sick Children
Classification: Benign for Hereditary spastic paraplegia. Last evaluated: 2022-01-20. Review status: criteria provided, single submitter. Criteria: ACMG Guidelines, 2015. Collection method: clinical testing. Allele origin: germline. Affected: yes.

Athena Diagnostics
Classification: Benign. Last evaluated: 2019-12-26. Review status: criteria provided, single submitter. Criteria: Athena Diagnostics Criteria. Collection method: clinical testing. Allele origin: unknown.

Mayo Clinic Laboratories, Mayo Clinic
Classification: Benign. Last evaluated: 2019-04-25. Review status: criteria provided, single submitter. Criteria: ACMG Guidelines, 2015. Collection method: clinical testing. Allele origin: germline. Observed: 100 variant alleles.

GeneDx
Classification: Benign. Last evaluated: 2016-07-06. Review status: criteria provided, single submitter. Criteria: GeneDx Variant Classification (06012015). Collection method: clinical testing. Allele origin: germline. Affected: yes.
Comment: This variant is considered likely benign or benign based on one or more of the following criteria: it is a conservative change, it occurs at a poorly conserved position in the protein, it is predicted to be benign by multiple in silico algorithms, and/or has population frequency not consistent with disease.

Breakthrough Genomics
Classification: Benign. Review status: criteria provided, single submitter. Criteria: ACMG Guidelines, 2015. Collection method: not provided. Allele origin: germline. Inheritance: Autosomal recessive inheritance. Affected: yes.

PreventionGenetics, part of Exact Sciences
Classification: Benign. Review status: criteria provided, single submitter. Criteria: ACMG Guidelines, 2015. Collection method: clinical testing. Allele origin: germline.

NM_020435.4(GJC2):c.594C>T (p.His198=)

Gene: GJC2 (gap junction protein gamma 2; plus strand). Cytogenetic location: 1q42.13.
Variant type: single nucleotide variant.
Coding change: c.594C>T on transcript NM_020435.4 (MANE Select); coding-DNA position 594, C replaced by T.
Protein change: p.His198=; no amino-acid change (histidine 198 retained).
Molecular consequence: synonymous variant.
Genome position (GRCh38, 1-based): chr1:228,158,352, C>T. VCF-style: chr1-228158352-C-T. GRCh37 (hg19) VCF-style: chr1-228346053-C-T.
Other names: p.His198=.
Identifiers: ClinVar variation 241298 (VCV000241298.18), dbSNP rs116557768, ClinGen allele CA1430883.
Genomic context (GRCh38, chr1:228,158,352, plus strand): 5'-CACTAAGGCGGTCGGCGCTGACGGCAAGGCGGCAGGGACCCCGGGCCCGACCGGGCAACA[C>T]GATGGGCGGAGGCGCATCCAGCGGGAGGGCCTGATGCGCGTGTACGTGGCCCAGCTGGTG-3'
Protein context (NP_065168.2, residues 188-208): AAGTPGPTGQ[His198=]DGRRRIQREG